The following is an entry in ClinVar:

ClinVar aggregate classification (germline): Uncertain significance (1 of 4 stars; one submission).

Conditions:
Inborn genetic diseases. Identifiers: MedGen C0950123, MeSH D030342.

Allele frequency attached by ClinVar (database versions not stated): gnomAD exomes 0.00001; ExAC 0.00003; ESP Exome Variant Server 0.00008; gnomAD 0.00010; TOPMed 0.00013.
gnomAD v4.1: 32 of 1,604,882 alleles (0.002%); highest among the groups gnomAD compares: African/African-American, 0.04%; no homozygotes.

Submission:

Ambry Genetics
Classification: Uncertain significance for Inborn genetic diseases. Last evaluated: 2022-07-21. Review status: criteria provided, single submitter. Criteria: Ambry Variant Classification Scheme 2023. Collection method: clinical testing. Allele origin: germline.
Comment: The c.1856-3T>C intronic alteration consists of a T to C substitution 3 nucleotides before coding exon 14 in the GEMIN5 gene. Based on insufficient or conflicting evidence, the clinical significance of this alteration remains unclear.

NM_015465.5(GEMIN5):c.1856-3T>C

Gene: GEMIN5 (gem nuclear organelle associated protein 5; minus strand). Cytogenetic location: 5q33.2.
Variant type: single nucleotide variant.
Coding change: c.1856-3T>C on transcript NM_015465.5 (MANE Select); 3 bases into the intron before coding-DNA position 1856, T replaced by C.
Molecular consequence: intron variant.
Genome position (GRCh38, 1-based): chr5:154,913,041, A>G on the plus strand (T>C on the coding strand, the complement: GEMIN5 is on the minus strand). VCF-style: chr5-154913041-A-G. GRCh37 (hg19) VCF-style: chr5-154292601-A-G.
Other names: c.1853-3T>C (NM_001252156.2).
Identifiers: ClinVar variation 2299685 (VCV002299685.2), dbSNP rs371763112, ClinGen allele CA3528850.